The following is an entry in ClinVar:

NM_170754.4(TNS2):c.4004G>A (p.Arg1335His)

Gene: TNS2 (tensin 2; plus strand). Cytogenetic location: 12q13.13.
Variant type: single nucleotide variant.
Coding change: c.4004G>A on transcript NM_170754.4 (MANE Select); coding-DNA position 4004, G replaced by A.
Protein change: p.Arg1335His; replaces arginine 1335 with histidine.
Molecular consequence: missense variant.
Genome position (GRCh38, 1-based): chr12:53,063,360, G>A. VCF-style: chr12-53063360-G-A. GRCh37 (hg19) VCF-style: chr12-53457144-G-A.
Other names: c.4004G>A, p.Arg1335His (NM_001416202.1); c.3962G>A, p.Arg1321His (NM_001416203.1); c.4031G>A, p.Arg1344His (NM_001416204.1); c.3935G>A, p.Arg1312His (NM_015319.3); c.3632G>A, p.Arg1211His (NM_198316.2); short protein forms R1335H, R1312H, R1344H, R1211H, R1321H.
Identifiers: ClinVar variation 3660854 (VCV003660854.2).

ClinVar aggregate classification (germline): Uncertain significance (1 of 4 stars; one submission).

gnomAD v4.1: 32 of 1,613,726 alleles (0.002%); highest among the groups gnomAD compares: Admixed American, 0.028%; no homozygotes.

Submission:

Labcorp Genetics (formerly Invitae), Labcorp
Classification: Uncertain significance. Last evaluated: 2024-09-21. Review status: criteria provided, single submitter. Criteria: Invitae Variant Classification Sherloc (09022015). Collection method: clinical testing. Allele origin: germline.
Comment: This sequence change replaces arginine, which is basic and polar, with histidine, which is basic and polar, at codon 1345 of the TNS2 protein (p.Arg1345His). This variant is present in population databases (rs201129709, gnomAD 0.05%). This variant has not been reported in the literature in individuals affected with TNS2-related conditions. An algorithm developed to predict the effect of missense changes on protein structure and function (PolyPhen-2) suggests that this variant is likely to be tolerated. In summary, the available evidence is currently insufficient to determine the role of this variant in disease. Therefore, it has been classified as a Variant of Uncertain Significance.